The following is an entry in ClinVar:

NM_144672.4(OTOA):c.1595C>T (p.Thr532Ile)

Gene: OTOA (otoancorin). Cytogenetic location: 16p12.2.
Variant type: single nucleotide variant.
Coding change: c.1595C>T on transcript NM_144672.4 (MANE Select); coding-DNA position 1595, C replaced by T.
Protein change: p.Thr532Ile; replaces threonine 532 with isoleucine.
Molecular consequence: missense variant.
Genome position (GRCh38, 1-based): chr16:21,717,013, C>T. VCF-style: chr16-21717013-C-T. GRCh37 (hg19) VCF-style: chr16-21728334-C-T.
Other names: c.1595C>T (NM_144672.3); c.1358C>T, p.Thr453Ile (NM_001161683.2); c.623C>T, p.Thr208Ile (NM_170664.3); short protein forms T208I, T532I, T453I.
Identifiers: ClinVar variation 1349219 (VCV001349219.4), dbSNP rs758262738, ClinGen allele CA7952684.

ClinVar aggregate classification (germline): Uncertain significance. Review status: criteria provided, multiple submitters, no conflicts (2 of 4 stars). 2 submissions from 2 submitters: Uncertain significance (2). Last evaluated 2025-06-25.

Conditions:
OTOA-related disorder. Also called: OTOA-related condition.

Allele frequency attached by ClinVar (database versions not stated): gnomAD exomes below 0.00001 and 0.00001; gnomAD 0.00001; ExAC 0.00002; TOPMed 0.00002.
gnomAD v4.1: 5 of 1,614,128 alleles (0.00031%); highest among the groups gnomAD compares: Admixed American, 0.005%; no homozygotes.

Submissions (2):

PreventionGenetics, part of Exact Sciences
Classification: Uncertain significance for OTOA-related condition. Last evaluated: 2025-06-25. Review status: criteria provided, single submitter. Criteria: ACMG Guidelines, 2015. Collection method: clinical testing. Allele origin: germline.
Comment: The OTOA c.1595C>T variant is predicted to result in the amino acid substitution p.Thr532Ile. To our knowledge, this variant has not been reported in the literature. This variant is reported in 0.0087% of alleles in individuals of Latino descent in gnomAD. At this time, the clinical significance of this variant is uncertain due to the absence of conclusive functional and genetic evidence.

Labcorp Genetics (formerly Invitae), Labcorp
Classification: Uncertain significance. Last evaluated: 2022-07-05. Review status: criteria provided, single submitter. Criteria: Invitae Variant Classification Sherloc (09022015). Collection method: clinical testing. Allele origin: germline.
Comment: This sequence change replaces threonine, which is neutral and polar, with isoleucine, which is neutral and non-polar, at codon 532 of the OTOA protein (p.Thr532Ile). This variant is present in population databases (rs758262738, gnomAD 0.009%). This variant has not been reported in the literature in individuals affected with OTOA-related conditions. ClinVar contains an entry for this variant (Variation ID: 1349219). Algorithms developed to predict the effect of missense changes on protein structure and function are either unavailable or do not agree on the potential impact of this missense change (SIFT: "Deleterious"; PolyPhen-2: "Benign"; Align-GVGD: "Class C0"). In summary, the available evidence is currently insufficient to determine the role of this variant in disease. Therefore, it has been classified as a Variant of Uncertain Significance.